The following is an entry in ClinVar:

ClinVar aggregate classification (germline): Uncertain significance (1 of 4 stars; one submission).

Submission:

Labcorp Genetics (formerly Invitae), Labcorp
Classification: Uncertain significance. Last evaluated: 2024-07-14. Review status: criteria provided, single submitter. Criteria: Invitae Variant Classification Sherloc (09022015). Collection method: clinical testing. Allele origin: germline.
Comment: This sequence change replaces alanine, which is neutral and non-polar, with threonine, which is neutral and polar, at codon 6 of the GPR179 protein (p.Ala6Thr). This variant is not present in population databases (gnomAD no frequency). This variant has not been reported in the literature in individuals affected with GPR179-related conditions. An algorithm developed to predict the effect of missense changes on protein structure and function outputs the following: PolyPhen-2: "Benign". The threonine amino acid residue is found in multiple mammalian species, which suggests that this missense change does not adversely affect protein function. In summary, the available evidence is currently insufficient to determine the role of this variant in disease. Therefore, it has been classified as a Variant of Uncertain Significance.

NM_001004334.4(GPR179):c.16G>A (p.Ala6Thr)

Gene: GPR179 (G protein-coupled receptor 179; minus strand). Cytogenetic location: 17q12.
Variant type: single nucleotide variant.
Coding change: c.16G>A on transcript NM_001004334.4 (MANE Select); coding-DNA position 16, G replaced by A.
Protein change: p.Ala6Thr; replaces alanine 6 with threonine.
Molecular consequence: missense variant.
Genome position (GRCh38, 1-based): chr17:38,343,774, C>T on the plus strand (G>A on the coding strand, the complement: GPR179 is on the minus strand). VCF-style: chr17-38343774-C-T. GRCh37 (hg19) VCF-style: chr17-36499657-C-T.
Other names: short protein forms A6T.
Identifiers: ClinVar variation 3667649 (VCV003667649.1).